The following is an entry in ClinVar:

ClinVar aggregate classification (germline): Uncertain significance (1 of 4 stars; one submission).

Conditions:
Primary ciliary dyskinesia. Also called: Ciliary dyskinesia. Identifiers: Orphanet 244, MedGen C0008780, MONDO:0016575, HP:0012265.

Submission:

Ambry Genetics
Classification: Uncertain significance for Primary ciliary dyskinesia. Last evaluated: 2025-08-28. Review status: criteria provided, single submitter. Criteria: Ambry Variant Classification Scheme 2023. Collection method: clinical testing. Allele origin: germline.
Comment: The p.L750V variant (also known as c.2248C>G), located in coding exon 16 of the CCDC39 gene, results from a C to G substitution at nucleotide position 2248. The leucine at codon 750 is replaced by valine, an amino acid with highly similar properties. This amino acid position is highly conserved in available vertebrate species. In addition, the in silico prediction for this alteration is inconclusive. Based on the available evidence, the clinical significance of this variant remains unclear.

NM_181426.2(CCDC39):c.2248C>G (p.Leu750Val)

Gene: CCDC39 (coiled-coil domain 39 molecular ruler complex subunit; minus strand). Cytogenetic location: 3q26.33.
Variant type: single nucleotide variant.
Coding change: c.2248C>G on transcript NM_181426.2 (MANE Select); coding-DNA position 2248, C replaced by G.
Protein change: p.Leu750Val; replaces leucine 750 with valine.
Molecular consequence: missense variant.
Genome position (GRCh38, 1-based): chr3:180,619,276, G>C on the plus strand (C>G on the coding strand, the complement: CCDC39 is on the minus strand). VCF-style: chr3-180619276-G-C. GRCh37 (hg19) VCF-style: chr3-180337064-G-C.
Other names: short protein forms L750V.
Identifiers: ClinVar variation 4221222 (VCV004221222.1).